The following is an entry in ClinVar:

ClinVar aggregate classification (germline): Uncertain significance. Review status: criteria provided, multiple submitters, no conflicts (2 of 4 stars). 2 submissions from 2 submitters: Uncertain significance (2). Last evaluated 2022-04-07.

Allele frequency attached by ClinVar (database versions not stated): gnomAD exomes 0.00001; gnomAD 0.00004 and 0.00005; TOPMed 0.00009.
gnomAD v4.1: 11 of 1,613,778 alleles (0.00068%); highest among the groups gnomAD compares: Admixed American, 0.012%; no homozygotes.

Submissions (2):

Labcorp Genetics (formerly Invitae), Labcorp
Classification: Uncertain significance. Last evaluated: 2022-04-07. Review status: criteria provided, single submitter. Criteria: Invitae Variant Classification Sherloc (09022015). Collection method: clinical testing. Allele origin: germline.
Comment: This sequence change replaces asparagine, which is neutral and polar, with serine, which is neutral and polar, at codon 816 of the ADAMTS10 protein (p.Asn816Ser). This variant is not present in population databases (gnomAD no frequency). This variant has not been reported in the literature in individuals affected with ADAMTS10-related conditions. Algorithms developed to predict the effect of missense changes on protein structure and function are either unavailable or do not agree on the potential impact of this missense change (SIFT: "Deleterious"; PolyPhen-2: "Benign"; Align-GVGD: "Class C45"). Algorithms developed to predict the effect of sequence changes on RNA splicing suggest that this variant may create or strengthen a splice site. In summary, the available evidence is currently insufficient to determine the role of this variant in disease. Therefore, it has been classified as a Variant of Uncertain Significance.

Blueprint Genetics
Classification: Uncertain significance. Last evaluated: 2021-08-27. Review status: criteria provided, single submitter. Criteria: ACMG Guidelines, 2015. Collection method: clinical testing. Allele origin: germline.

NM_030957.4(ADAMTS10):c.2447A>G (p.Asn816Ser)

Gene: ADAMTS10 (ADAM metallopeptidase with thrombospondin type 1 motif 10; minus strand). Cytogenetic location: 19p13.2.
Variant type: single nucleotide variant.
Coding change: c.2447A>G on transcript NM_030957.4 (MANE Select); coding-DNA position 2447, A replaced by G.
Protein change: p.Asn816Ser; replaces asparagine 816 with serine.
Molecular consequence: missense variant.
Genome position (GRCh38, 1-based): chr19:8,586,427, T>C on the plus strand (A>G on the coding strand, the complement: ADAMTS10 is on the minus strand). VCF-style: chr19-8586427-T-C. GRCh37 (hg19) VCF-style: chr19-8651311-T-C.
Other names: c.908A>G, p.Asn303Ser (NM_001282352.2); short protein forms N303S, N816S.
Identifiers: ClinVar variation 1428105 (VCV001428105.4), dbSNP rs2042431423, ClinGen allele CA403749772.